The following is an entry in ClinVar:

NM_001130438.3(SPTAN1):c.3665C>T (p.Ala1222Val)

Gene: SPTAN1 (spectrin alpha, non-erythrocytic 1; plus strand). Cytogenetic location: 9q34.11.
Variant type: single nucleotide variant.
Coding change: c.3665C>T on transcript NM_001130438.3 (MANE Select); coding-DNA position 3665, C replaced by T.
Protein change: p.Ala1222Val; replaces alanine 1222 with valine.
Molecular consequence: missense variant.
Genome position (GRCh38, 1-based): chr9:128,604,363, C>T. VCF-style: chr9-128604363-C-T. GRCh37 (hg19) VCF-style: chr9-131366642-C-T.
Other names: c.3665C>T (NM_001130438.2); c.3605C>T, p.Ala1202Val (NM_001195532.2, NM_001363765.2, NM_001375314.2); c.3665C>T, p.Ala1222Val (NM_001363759.2, NM_001375310.1, NM_001375311.2 and 2 more transcripts); c.3701C>T, p.Ala1234Val (NM_001375312.2, NM_001375318.1); short protein forms A1234V, A1222V, A1202V.
Identifiers: ClinVar variation 3648388 (VCV003648388.3).

ClinVar aggregate classification (germline): Uncertain significance. Review status: criteria provided, multiple submitters, no conflicts (2 of 4 stars). 2 submissions from 2 submitters: Uncertain significance (2). Last evaluated 2025-04-10.

Conditions:
Early-infantile DEE. Also called: Early infantile epileptic encephalopathy; Ohtahara syndrome; Early infantile epileptic encephalopathy with suppression bursts. Identifiers: Orphanet 1934, MedGen C0393706, MONDO:0800491.
Inborn genetic diseases. Identifiers: MedGen C0950123, MeSH D030342.

Submissions (2):

Ambry Genetics
Classification: Uncertain significance for Inborn genetic diseases. Last evaluated: 2025-04-10. Review status: criteria provided, single submitter. Criteria: Ambry Variant Classification Scheme 2023. Collection method: clinical testing. Allele origin: germline.

Labcorp Genetics (formerly Invitae), Labcorp
Classification: Uncertain significance for Early-infantile DEE. Last evaluated: 2024-03-27. Review status: criteria provided, single submitter. Criteria: Invitae Variant Classification Sherloc (09022015). Collection method: clinical testing. Allele origin: germline.
Comment: This sequence change replaces alanine, which is neutral and non-polar, with valine, which is neutral and non-polar, at codon 1222 of the SPTAN1 protein (p.Ala1222Val). This variant is present in population databases (no rsID available, gnomAD 0.007%). This variant has not been reported in the literature in individuals affected with SPTAN1-related conditions. Advanced modeling of protein sequence and biophysical properties (such as structural, functional, and spatial information, amino acid conservation, physicochemical variation, residue mobility, and thermodynamic stability) has been performed at Invitae for this missense variant, however the output from this modeling did not meet the statistical confidence thresholds required to predict the impact of this variant on SPTAN1 protein function. In summary, the available evidence is currently insufficient to determine the role of this variant in disease. Therefore, it has been classified as a Variant of Uncertain Significance.